The following is an entry in ClinVar:

NM_001845.6(COL4A1):c.4984T>C (p.Cys1662Arg)

Gene: COL4A1 (collagen type IV alpha 1 chain; minus strand). Cytogenetic location: 13q34.
Variant type: single nucleotide variant.
Coding change: c.4984T>C on transcript NM_001845.6 (MANE Select); coding-DNA position 4984, T replaced by C.
Protein change: p.Cys1662Arg; replaces cysteine 1662 with arginine.
Molecular consequence: missense variant.
Genome position (GRCh38, 1-based): chr13:110,150,389, A>G on the plus strand (T>C on the coding strand, the complement: COL4A1 is on the minus strand). VCF-style: chr13-110150389-A-G. GRCh37 (hg19) VCF-style: chr13-110802736-A-G.
Other names: short protein forms C1662R.
Identifiers: ClinVar variation 1392217 (VCV001392217.6), dbSNP rs2138415394, ClinGen allele CA388653518.

ClinVar aggregate classification (germline): Uncertain significance (1 of 4 stars; one submission).

Submission:

Labcorp Genetics (formerly Invitae), Labcorp
Classification: Uncertain significance. Last evaluated: 2022-08-31. Review status: criteria provided, single submitter. Criteria: Invitae Variant Classification Sherloc (09022015). Collection method: clinical testing. Allele origin: germline.
Comment: ClinVar contains an entry for this variant (Variation ID: 1392217). This sequence change replaces cysteine, which is neutral and slightly polar, with arginine, which is basic and polar, at codon 1662 of the COL4A1 protein (p.Cys1662Arg). This variant is not present in population databases (gnomAD no frequency). This variant has not been reported in the literature in individuals affected with COL4A1-related conditions. Advanced modeling of protein sequence and biophysical properties (such as structural, functional, and spatial information, amino acid conservation, physicochemical variation, residue mobility, and thermodynamic stability) performed at Invitae indicates that this missense variant is expected to disrupt COL4A1 protein function. In summary, the available evidence is currently insufficient to determine the role of this variant in disease. Therefore, it has been classified as a Variant of Uncertain Significance.